The following is an entry in ClinVar:

NM_001111125.3(IQSEC2):c.1296T>G (p.Tyr432Ter)

Gene: IQSEC2 (IQ motif and Sec7 domain ArfGEF 2; minus strand). Cytogenetic location: Xp11.22.
Variant type: single nucleotide variant.
Coding change: c.1296T>G on transcript NM_001111125.3 (MANE Select); coding-DNA position 1296, T replaced by G.
Protein change: p.Tyr432Ter; replaces tyrosine 432 with a stop codon.
Molecular consequence: nonsense.
Genome position (GRCh38, 1-based): chrX:53,254,635, A>C on the plus strand (T>G on the coding strand, the complement: IQSEC2 is on the minus strand). VCF-style: chrX-53254635-A-C. GRCh37 (hg19) VCF-style: chrX-53283817-A-C.
Other names: c.681T>G, p.Tyr227Ter (NM_015075.2); short protein forms Y432*, Y227*.
Identifiers: ClinVar variation 1418285 (VCV001418285.6), dbSNP rs2147121012, ClinGen allele CA413169152.

ClinVar aggregate classification (germline): Pathogenic (1 of 4 stars; one submission).

Conditions:
Intellectual developmental disorder, X-linked 1. Also called: Atkin Flaitz Patil Smith syndrome; Intellectual disability, X-linked 1; MENTAL RETARDATION, X-LINKED 18; MENTAL RETARDATION, X-LINKED 78. Identifiers: Orphanet 777, MedGen C2931498, MONDO:0010656, OMIM 309530.

Submission:

Labcorp Genetics (formerly Invitae), Labcorp
Classification: Pathogenic for Intellectual developmental disorder, X-linked 1. Last evaluated: 2021-07-07. Review status: criteria provided, single submitter. Criteria: Invitae Variant Classification Sherloc (09022015). Collection method: clinical testing. Allele origin: germline.
Comment: This variant is not present in population databases (ExAC no frequency). For these reasons, this variant has been classified as Pathogenic. Algorithms developed to predict the effect of sequence changes on RNA splicing suggest that this variant may create or strengthen a splice site. This variant has not been reported in the literature in individuals affected with IQSEC2-related conditions. This sequence change creates a premature translational stop signal (p.Tyr432*) in the IQSEC2 gene. It is expected to result in an absent or disrupted protein product. Loss-of-function variants in IQSEC2 are known to be pathogenic (PMID: 21686261, 26793055, 27665735).

Literature cited by the submitters: PubMed 21686261; PubMed 26793055; PubMed 27665735.